The following is an entry in ClinVar:

ClinVar aggregate classification (germline): Uncertain significance (1 of 4 stars; one submission).

Conditions:
Congenital contractural arachnodactyly (CCA). Also called: Arthrogryposis, distal, type 9; BEALS SYNDROME; Beals-Hecht syndrome. Identifiers: Orphanet 115, MedGen C0220668, MONDO:0007363, OMIM 121050.

Submission:

Labcorp Genetics (formerly Invitae), Labcorp
Classification: Uncertain significance for Congenital contractural arachnodactyly. Last evaluated: 2022-11-22. Review status: criteria provided, single submitter. Criteria: Invitae Variant Classification Sherloc (09022015). Collection method: clinical testing. Allele origin: germline.
Comment: This sequence change replaces cysteine, which is neutral and slightly polar, with tyrosine, which is neutral and polar, at codon 941 of the FBN2 protein (p.Cys941Tyr). This variant is not present in population databases (gnomAD no frequency). This variant has not been reported in the literature in individuals affected with FBN2-related conditions. Advanced modeling of protein sequence and biophysical properties (such as structural, functional, and spatial information, amino acid conservation, physicochemical variation, residue mobility, and thermodynamic stability) performed at Invitae indicates that this missense variant is expected to disrupt FBN2 protein function. In summary, the available evidence is currently insufficient to determine the role of this variant in disease. Therefore, it has been classified as a Variant of Uncertain Significance.

NM_001999.4(FBN2):c.2822G>A (p.Cys941Tyr)

Gene: FBN2 (fibrillin 2; minus strand). Cytogenetic location: 5q23.3.
Variant type: single nucleotide variant.
Coding change: c.2822G>A on transcript NM_001999.4 (MANE Select); coding-DNA position 2822, G replaced by A.
Protein change: p.Cys941Tyr; replaces cysteine 941 with tyrosine.
Molecular consequence: missense variant.
Genome position (GRCh38, 1-based): chr5:128,349,996, C>T on the plus strand (G>A on the coding strand, the complement: FBN2 is on the minus strand). VCF-style: chr5-128349996-C-T. GRCh37 (hg19) VCF-style: chr5-127685688-C-T.
Other names: short protein forms C941Y.
Identifiers: ClinVar variation 2811386 (VCV002811386.3), dbSNP rs2479305330, ClinGen allele CA360766026.